The following is an entry in ClinVar:

ClinVar aggregate classification (germline): Uncertain significance (1 of 4 stars; one submission).

Allele frequency attached by ClinVar (database versions not stated): gnomAD exomes below 0.00001; TOPMed 0.00001; gnomAD 0.00002 and 0.00003.
gnomAD v4.1: 8 of 1,605,486 alleles (0.0005%); highest among the groups gnomAD compares: African/African-American, 0.0067%; no homozygotes.

Submission:

Labcorp Genetics (formerly Invitae), Labcorp
Classification: Uncertain significance. Last evaluated: 2024-02-16. Review status: criteria provided, single submitter. Criteria: Invitae Variant Classification Sherloc (09022015). Collection method: clinical testing. Allele origin: germline.
Comment: This sequence change replaces glutamic acid, which is acidic and polar, with lysine, which is basic and polar, at codon 86 of the DNM1L protein (p.Glu86Lys). This variant is not present in population databases (gnomAD no frequency). This variant has not been reported in the literature in individuals affected with DNM1L-related conditions. ClinVar contains an entry for this variant (Variation ID: 1363362). An algorithm developed to predict the effect of missense changes on protein structure and function (PolyPhen-2) suggests that this variant is likely to be tolerated. In summary, the available evidence is currently insufficient to determine the role of this variant in disease. Therefore, it has been classified as a Variant of Uncertain Significance.

NM_012062.5(DNM1L):c.256G>A (p.Glu86Lys)

Gene: DNM1L (dynamin 1 like; plus strand). Cytogenetic location: 12p11.21.
Variant type: single nucleotide variant.
Coding change: c.256G>A on transcript NM_012062.5 (MANE Select); coding-DNA position 256, G replaced by A.
Protein change: p.Glu86Lys; replaces glutamic acid 86 with lysine.
Molecular consequence: missense variant. On other transcripts: nonsense (1).
Genome position (GRCh38, 1-based): chr12:32,707,372, G>A. VCF-style: chr12-32707372-G-A. GRCh37 (hg19) VCF-style: chr12-32860306-G-A.
Other names: c.256G>A, p.Glu86Lys (NM_001278463.2, NM_005690.5, NM_012063.4); c.295G>A, p.Glu99Lys (NM_001278464.2, NM_001278465.2, NM_001330380.2); c.90G>A, p.Trp30Ter (NM_001278466.2); short protein forms W30*, E86K, E99K.
Identifiers: ClinVar variation 1363362 (VCV001363362.8), dbSNP rs1952966523, ClinGen allele CA384365669.